The following is an entry in ClinVar:

NM_033004.4(NLRP1):c.941T>G (p.Ile314Ser)

Gene: NLRP1 (NLR family pyrin domain containing 1; minus strand). Cytogenetic location: 17p13.2.
Variant type: single nucleotide variant.
Coding change: c.941T>G on transcript NM_033004.4 (MANE Select); coding-DNA position 941, T replaced by G.
Protein change: p.Ile314Ser; replaces isoleucine 314 with serine.
Molecular consequence: missense variant.
Genome position (GRCh38, 1-based): chr17:5,559,755, A>C on the plus strand (T>G on the coding strand, the complement: NLRP1 is on the minus strand). VCF-style: chr17-5559755-A-C. GRCh37 (hg19) VCF-style: chr17-5463075-A-C.
Other names: c.941T>G, p.Ile314Ser (NM_001033053.3, NM_014922.5, NM_033006.4 and 1 more transcripts); short protein forms I314S.
Identifiers: ClinVar variation 4698550 (VCV004698550.1).

ClinVar aggregate classification (germline): Uncertain significance (1 of 4 stars; one submission).

gnomAD v4.1: 18 of 1,614,220 alleles (0.0011%); highest among the groups gnomAD compares: Non-Finnish European, 0.0015%; no homozygotes.

Submission:

Labcorp Genetics (formerly Invitae), Labcorp
Classification: Uncertain significance. Last evaluated: 2025-02-09. Review status: criteria provided, single submitter. Criteria: Invitae Variant Classification Sherloc (09022015). Collection method: clinical testing. Allele origin: germline.
Comment: This sequence change replaces isoleucine, which is neutral and non-polar, with serine, which is neutral and polar, at codon 314 of the NLRP1 protein (p.Ile314Ser). This variant is present in population databases (rs778828361, gnomAD 0.0009%). This variant has not been reported in the literature in individuals affected with NLRP1-related conditions. An algorithm developed to predict the effect of missense changes on protein structure and function (PolyPhen-2) suggests that this variant is likely to be disruptive. In summary, the available evidence is currently insufficient to determine the role of this variant in disease. Therefore, it has been classified as a Variant of Uncertain Significance.